The following is an entry in ClinVar:

ClinVar aggregate classification (germline): Uncertain significance (1 of 4 stars; one submission).

Allele frequency attached by ClinVar (database versions not stated): gnomAD exomes 0.00001; ExAC 0.00002.

Submission:

Labcorp Genetics (formerly Invitae), Labcorp
Classification: Uncertain significance. Last evaluated: 2020-05-06. Review status: criteria provided, single submitter. Criteria: Invitae Variant Classification Sherloc (09022015). Collection method: clinical testing. Allele origin: germline.
Comment: Experimental studies and prediction algorithms are not available or were not evaluated, and the functional significance of this variant is currently unknown. In summary, the available evidence is currently insufficient to determine the role of this variant in disease. Therefore, it has been classified as a Variant of Uncertain Significance. This variant has not been reported in the literature in individuals with REEP6-related conditions. This variant is present in population databases (rs768293667, ExAC 0.04%). This sequence change replaces glutamine with histidine at codon 207 of the REEP6 protein (p.Gln207His). The glutamine residue is weakly conserved and there is a small physicochemical difference between glutamine and histidine.

NM_138393.4(REEP6):c.540G>T (p.Gln180His)

Gene: REEP6 (receptor accessory protein 6; plus strand). Cytogenetic location: 19p13.3.
Variant type: single nucleotide variant.
Coding change: c.540G>T on transcript NM_138393.4 (MANE Select); coding-DNA position 540, G replaced by T.
Protein change: p.Gln180His; replaces glutamine 180 with histidine.
Molecular consequence: missense variant.
Genome position (GRCh38, 1-based): chr19:1,497,196, G>T. VCF-style: chr19-1497196-G-T. GRCh37 (hg19) VCF-style: chr19-1497195-G-T.
Other names: c.621G>T, p.Gln207His (NM_001329556.3); short protein forms Q180H, Q207H.
Identifiers: ClinVar variation 1020860 (VCV001020860.7), dbSNP rs768293667, ClinGen allele CA9047698.